The following is an entry in ClinVar:

NM_000052.7(ATP7A):c.1326T>C (p.Ala442=)

Gene: ATP7A (ATPase copper transporting alpha; plus strand). Cytogenetic location: Xq21.1.
Variant type: single nucleotide variant.
Coding change: c.1326T>C on transcript NM_000052.7 (MANE Select); coding-DNA position 1326, T replaced by C.
Protein change: p.Ala442=; no amino-acid change (alanine 442 retained).
Molecular consequence: synonymous variant.
Genome position (GRCh38, 1-based): chrX:77,989,948, T>C. VCF-style: chrX-77989948-T-C. GRCh37 (hg19) VCF-style: chrX-77245444-T-C.
Other names: c.1326T>C, p.Ala442= (NM_001282224.2).
Identifiers: ClinVar variation 1161461 (VCV001161461.33), dbSNP rs2149083467, ClinGen allele CA517085507.

ClinVar aggregate classification (germline): Likely benign. Review status: criteria provided, multiple submitters, no conflicts (2 of 4 stars). 2 submissions from 2 submitters: Likely benign (2). Last evaluated 2024-10-10.

Conditions:
Menkes kinky-hair syndrome (MNK). Also called: Menkes Disease; Copper transport disease; Classic Menkes Disease. Identifiers: Orphanet 565, MedGen C0022716, MONDO:0010651, OMIM 309400.
Cutis laxa, X-linked (OHS). Also called: Occipital horn syndrome; EDS IX. Identifiers: Orphanet 198, MedGen C0268353, MONDO:0010572, OMIM 304150.
X-linked distal spinal muscular atrophy type 3. Also called: NEURONOPATHY, DISTAL HEREDITARY MOTOR, X-LINKED; NEUROPATHY, DISTAL HEREDITARY MOTOR, X-LINKED; ATP7A-Related Distal Motor Neuropathy; SPINAL MUSCULAR ATROPHY, DISTAL, X-LINKED RECESSIVE. Identifiers: Orphanet 139557, MedGen C1845359, MONDO:0010338, OMIM 300489.

gnomAD v4.1: 3 of 1,211,603 alleles (0.00025%); no homozygotes.

Submissions (2):

Labcorp Genetics (formerly Invitae), Labcorp
Classification: Likely benign for X-linked distal spinal muscular atrophy type 3; Cutis laxa, X-linked; Menkes kinky-hair syndrome. Last evaluated: 2024-10-10. Review status: criteria provided, single submitter. Criteria: Invitae Variant Classification Sherloc (09022015). Collection method: clinical testing. Allele origin: germline.

CeGaT Center for Human Genetics Tuebingen
Classification: Likely benign. Last evaluated: 2023-02-01. Review status: criteria provided, single submitter. Criteria: CeGaT Center For Human Genetics Tuebingen Variant Classification Criteria Version 2. Collection method: clinical testing. Allele origin: germline. Affected: yes. Observed: 1 variant allele.
Comment: ATP7A: PM2:Supporting, BP4, BP7